The following is an entry in ClinVar:

NM_000170.3(GLDC):c.78G>C (p.Ser26=)

Gene: GLDC (glycine decarboxylase; minus strand). Cytogenetic location: 9p24.1.
Variant type: single nucleotide variant.
Coding change: c.78G>C on transcript NM_000170.3 (MANE Select); coding-DNA position 78, G replaced by C.
Protein change: p.Ser26=; no amino-acid change (serine 26 retained).
Molecular consequence: synonymous variant.
Genome position (GRCh38, 1-based): chr9:6,645,422, C>G on the plus strand (G>C on the coding strand, the complement: GLDC is on the minus strand). VCF-style: chr9-6645422-C-G. GRCh37 (hg19) VCF-style: chr9-6645422-C-G.
Identifiers: ClinVar variation 720074 (VCV000720074.23), dbSNP rs915226152, ClinGen allele CA188663131.

ClinVar aggregate classification (germline): Conflicting classifications of pathogenicity. Review status: criteria provided, conflicting classifications (1 of 4 stars). 6 submissions from 6 submitters: Uncertain significance (1); Likely benign (3). 2 of the submissions do not count toward it. Last evaluated 2026-01-24.

Conditions:
GLDC-related disorder. Also called: GLDC-related condition.
Glycine encephalopathy. Also called: Non-ketotic hyperglycinemia; Nonketotic hyperglycinemia. Identifiers: Orphanet 407, MedGen C0751748, MONDO:0011612, HP:0008288.

Allele frequency attached by ClinVar (database versions not stated): gnomAD exomes 0.00006; TOPMed 0.00014.
gnomAD v4.1: 245 of 1,336,974 alleles (0.018%); highest among the groups gnomAD compares: Admixed American, 0.043%; no homozygotes.

Submissions (6):

Labcorp Genetics (formerly Invitae), Labcorp
Classification: Likely benign for Glycine encephalopathy. Last evaluated: 2026-01-24. Review status: criteria provided, single submitter. Criteria: Invitae Variant Classification Sherloc (09022015). Collection method: clinical testing. Allele origin: germline.

Blueprint Genetics
Classification: Likely benign. Last evaluated: 2024-07-04. Review status: criteria provided, single submitter. Criteria: ACMG Guidelines, 2015. Collection method: clinical testing. Allele origin: germline.

GeneDx
Classification: Likely benign. Last evaluated: 2019-11-15. Review status: criteria provided, single submitter. Criteria: GeneDx Variant Classification Process June 2021. Collection method: clinical testing. Allele origin: germline. Affected: yes.

Illumina Laboratory Services, Illumina
Classification: Uncertain significance for Glycine encephalopathy 1. Last evaluated: 2018-01-12. Review status: criteria provided, single submitter. Criteria: ICSL Variant Classification Criteria 13 December 2019. Collection method: clinical testing. Allele origin: germline.

PreventionGenetics, part of Exact Sciences
Classification: Likely benign for GLDC-related condition. Last evaluated: 2024-03-27. Review status: no assertion criteria provided. Collection method: clinical testing. Allele origin: germline. Not counted in ClinVar's aggregate classification.
Comment: This variant is classified as likely benign based on ACMG/AMP sequence variant interpretation guidelines (Richards et al. 2015 PMID: 25741868, with internal and published modifications).

Natera, Inc.
Classification: Likely benign for Non-ketotic hyperglycinemia. Last evaluated: 2021-03-29. Review status: no assertion criteria provided. Collection method: clinical testing. Allele origin: germline. Not counted in ClinVar's aggregate classification.